The following is an entry in ClinVar:

ClinVar aggregate classification (germline): Pathogenic/Likely pathogenic. Review status: criteria provided, multiple submitters, no conflicts (2 of 4 stars). 4 submissions from 4 submitters: Pathogenic (3); Likely pathogenic (1). Last evaluated 2025-03-12.

Conditions:
Hereditary cancer-predisposing syndrome. Also called: Hereditary neoplastic syndrome; Neoplastic Syndromes, Hereditary; Tumor predisposition; Hereditary Cancer Syndrome. Identifiers: Orphanet 140162, MedGen C0027672, MeSH D009386, MONDO:0015356.
Hereditary breast ovarian cancer syndrome. Also called: Hereditary breast and ovarian cancer syndrome (HBOC); BRCA1- and BRCA2-Associated Hereditary Breast and Ovarian Cancer; Hereditary breast and ovarian cancer syndrome; Breast and ovarian cancer; Hereditary breast and ovarian cancer; Hereditary breast and/or ovarian cancer syndrome. Identifiers: Orphanet 145, MedGen C0677776, MeSH D061325, MONDO:0003582. Disease mechanism: loss of function.

Submissions (4):

Ambry Genetics
Classification: Pathogenic for Hereditary cancer-predisposing syndrome. Last evaluated: 2025-03-12. Review status: criteria provided, single submitter. Criteria: Ambry Variant Classification Scheme 2023. Collection method: clinical testing. Allele origin: germline.
Comment: The c.3174dupA pathogenic mutation, located in coding exon 10 of the BRCA2 gene, results from a duplication of A at nucleotide position 3174, causing a translational frameshift with a predicted alternate stop codon (p.L1059Tfs*8). This variant is considered to be rare based on population cohorts in the Genome Aggregation Database (gnomAD). This alteration is expected to result in loss of function by premature protein truncation or nonsense-mediated mRNA decay. As such, this alteration is interpreted as a disease-causing mutation.

Quest Diagnostics Nichols Institute San Juan Capistrano
Classification: Likely pathogenic. Last evaluated: 2025-01-22. Review status: criteria provided, single submitter. Criteria: Quest Diagnostics criteria. Collection method: clinical testing. Allele origin: unknown.
Comment: The BRCA2 c.3174dup (p.Leu1059Thrfs*8) variant alters the translational reading frame of the BRCA2 mRNA and is predicted to cause the premature termination of BRCA2 protein synthesis. This variant has not been reported in individuals with BRCA2-related conditions in the published literature. This variant has not been reported in large, multi-ethnic general populations (Genome Aggregation Database). Based on the available information, this variant is classified as likely pathogenic.

Labcorp Genetics (formerly Invitae), Labcorp
Classification: Pathogenic for Hereditary breast ovarian cancer syndrome. Last evaluated: 2024-11-24. Review status: criteria provided, single submitter. Criteria: Invitae Variant Classification Sherloc (09022015). Collection method: clinical testing. Allele origin: germline.
Comment: This sequence change creates a premature translational stop signal (p.Leu1059Thrfs*8) in the BRCA2 gene. It is expected to result in an absent or disrupted protein product. Loss-of-function variants in BRCA2 are known to be pathogenic (PMID: 20104584). This variant is not present in population databases (gnomAD no frequency). This variant has not been reported in the literature in individuals affected with BRCA2-related conditions. ClinVar contains an entry for this variant (Variation ID: 531228). For these reasons, this variant has been classified as Pathogenic.

Color Diagnostics, LLC DBA Color Health
Classification: Pathogenic for Hereditary cancer-predisposing syndrome. Last evaluated: 2020-01-15. Review status: criteria provided, single submitter. Criteria: ACMG Guidelines, 2015. Collection method: clinical testing. Allele origin: germline.
Comment: This variant inserts 1 nucleotide in exon 11 of the BRCA2 gene, creating a frameshift and premature translation stop signal. This variant is expected to result in an absent or non-functional protein product. This variant has not been identified in the general population by the Genome Aggregation Database (gnomAD). Loss of BRCA2 function is a known mechanism of disease. Based on the available evidence, this variant is classified as Pathogenic.

Literature cited by the submitters: PubMed 20104584 (cited by Labcorp Genetics (formerly Invitae), Labcorp).

NM_000059.4(BRCA2):c.3174dup (p.Leu1059fs)

Gene: BRCA2 (BRCA2 DNA repair associated; plus strand). Cytogenetic location: 13q13.1.
Variant type: Duplication.
Coding change: c.3174dup on transcript NM_000059.4 (MANE Select); coding-DNA position 3174, one base duplicated (A; older notation c.3174dupA).
Protein change: p.Leu1059fs; shifts the reading frame from leucine 1059.
Molecular consequence: frameshift variant.
Genome position (GRCh38, 1-based): chr13:32,337,529, A duplicated; the last of 3 consecutive A bases (chr13:32,337,527-32,337,529); duplicating any one gives the same sequence. VCF-style (leftmost placement, unchanged base first): chr13-32337526-G-GA. GRCh37 (hg19) VCF-style: chr13-32911663-G-GA.
Other names: c.3174dupA (NM_000059.3); short protein forms L1059fs.
Identifiers: ClinVar variation 531228 (VCV000531228.16), dbSNP rs1555283079, ClinGen allele CA658798119.